The following is an entry in ClinVar:

ClinVar aggregate classification (germline): Uncertain significance (1 of 4 stars; one submission).

Conditions:
Early-onset Lafora body disease. Also called: Epilepsy, progressive myoclonic, 10. Identifiers: Orphanet 324290, MedGen C4225258, MONDO:0014717, OMIM 616640.

Submission:

Labcorp Genetics (formerly Invitae), Labcorp
Classification: Uncertain significance for Early-onset Lafora body disease. Last evaluated: 2022-07-25. Review status: criteria provided, single submitter. Criteria: Invitae Variant Classification Sherloc (09022015). Collection method: clinical testing. Allele origin: germline.
Comment: In summary, the available evidence is currently insufficient to determine the role of this variant in disease. Therefore, it has been classified as a Variant of Uncertain Significance. Algorithms developed to predict the effect of missense changes on protein structure and function are either unavailable or do not agree on the potential impact of this missense change (SIFT: "Deleterious"; PolyPhen-2: "Probably Damaging"; Align-GVGD: "Class C0"). ClinVar contains an entry for this variant (Variation ID: 1408141). This variant has not been reported in the literature in individuals affected with PRDM8-related conditions. This variant is not present in population databases (gnomAD no frequency). This sequence change replaces alanine, which is neutral and non-polar, with threonine, which is neutral and polar, at codon 553 of the PRDM8 protein (p.Ala553Thr).

NM_001099403.2(PRDM8):c.1657G>A (p.Ala553Thr)

Gene: PRDM8 (PR/SET domain 8; plus strand). Cytogenetic location: 4q21.21.
Variant type: single nucleotide variant.
Coding change: c.1657G>A on transcript NM_001099403.2 (MANE Select); coding-DNA position 1657, G replaced by A.
Protein change: p.Ala553Thr; replaces alanine 553 with threonine.
Molecular consequence: missense variant.
Genome position (GRCh38, 1-based): chr4:80,203,119, G>A. VCF-style: chr4-80203119-G-A. GRCh37 (hg19) VCF-style: chr4-81124273-G-A.
Other names: c.1657G>A, p.Ala553Thr (NM_020226.4); short protein forms A553T.
Identifiers: ClinVar variation 1408141 (VCV001408141.8), dbSNP rs867590589, ClinGen allele CA100001452.